The following is an entry in ClinVar:

NM_153704.6(TMEM67):c.312+5G>T

Gene: TMEM67 (transmembrane protein 67; plus strand). Cytogenetic location: 8q22.1.
Variant type: single nucleotide variant.
Coding change: c.312+5G>T on transcript NM_153704.6 (MANE Select); 5 bases into the intron after coding-DNA position 312, G replaced by T.
Molecular consequence: intron variant.
Genome position (GRCh38, 1-based): chr8:93,755,871, G>T. VCF-style: chr8-93755871-G-T. GRCh37 (hg19) VCF-style: chr8-94768099-G-T.
Other names: c.-62+734G>T (NM_001142301.1).
Identifiers: ClinVar variation 4789222 (VCV004789222.1).

ClinVar aggregate classification (germline): Uncertain significance (1 of 4 stars; one submission).

Conditions:
Meckel-Gruber syndrome. Also called: GRUBER SYNDROME; DYSENCEPHALIA SPLANCHNOCYSTICA; Dysencephalia splachnocystica. Identifiers: Orphanet 564, MedGen C0265215, MONDO:0018921.
Joubert syndrome. Also called: Familial aplasia of the vermis; JOUBERT-BOLTSHAUSER SYNDROME; CEREBELLOPARENCHYMAL DISORDER IV. Identifiers: Orphanet 475, MedGen C5979921, MONDO:0018772.

gnomAD v4.1: 2 of 1,524,452 alleles (0.00013%); highest among the groups gnomAD compares: Non-Finnish European, 0.00018%; no homozygotes.

Submission:

Labcorp Genetics (formerly Invitae), Labcorp
Classification: Uncertain significance for Joubert syndrome; Meckel-Gruber syndrome. Last evaluated: 2025-06-22. Review status: criteria provided, single submitter. Criteria: Invitae Variant Classification Sherloc (09022015). Collection method: clinical testing. Allele origin: germline.
Comment: This sequence change falls in intron 2 of the TMEM67 gene. It does not directly change the encoded amino acid sequence of the TMEM67 protein. It affects a nucleotide within the consensus splice site. This variant is not present in population databases (gnomAD no frequency). This variant has not been reported in the literature in individuals affected with TMEM67-related conditions. Variants that disrupt the consensus splice site are a relatively common cause of aberrant splicing (PMID: 17576681, 9536098). Algorithms developed to predict the effect of sequence changes on RNA splicing suggest that this variant may disrupt the consensus splice site. This variant disrupts the c.312+5G nucleotide in the TMEM67 gene. Other variant(s) that disrupt this nucleotide have been determined to be pathogenic (PMID: 19058225, 27434533). This suggests that this nucleotide is clinically significant, and that variants that disrupt this position are likely to be disease-causing. In summary, the available evidence is currently insufficient to determine the role of this variant in disease. Therefore, it has been classified as a Variant of Uncertain Significance.

Literature cited by the submitters: PubMed 17576681; PubMed 9536098; PubMed 19058225; PubMed 27434533.